The following is an entry in ClinVar:

NM_003001.5(SDHC):c.261G>A (p.Met87Ile)

Gene: SDHC (succinate dehydrogenase complex subunit C; plus strand). Cytogenetic location: 1q23.3.
Variant type: single nucleotide variant.
Coding change: c.261G>A on transcript NM_003001.5 (MANE Select); coding-DNA position 261, G replaced by A.
Protein change: p.Met87Ile; replaces methionine 87 with isoleucine.
Molecular consequence: missense variant. On other transcripts: non-coding transcript variant (1), intron variant (3).
Genome position (GRCh38, 1-based): chr1:161,356,696, G>A. VCF-style: chr1-161356696-G-A. GRCh37 (hg19) VCF-style: chr1-161326486-G-A.
Other names: c.159G>A, p.Met53Ile (NM_001035512.3); c.102G>A, p.Met34Ile (NM_001035513.3); c.381G>A, p.Met127Ile (NM_001407115.1); c.204G>A, p.Met68Ile (NM_001407116.1); c.198G>A, p.Met66Ile (NM_001407117.1); c.153G>A, p.Met51Ile (NM_001407118.1); c.150G>A, p.Met50Ile (NM_001407119.1, NM_001407120.1); c.242-5633G>A (NM_001035511.3); and 2 more; short protein forms M34I, M53I, M51I, M66I, M87I, M127I, M50I, M68I.
Identifiers: ClinVar variation 1793919 (VCV001793919.2), dbSNP rs1558182772, ClinGen allele CA343456272.
Genomic context (GRCh38, chr1:161,356,696, plus strand): 5'-CTTATGAGCAGCTGTGACAAGCTACTTGGTTTTCTCCTCAGGGGTCTCTCTTTTTGGCAT[G>A]TCGGCCCTGTTACTCCCTGGGAACTTTGAGTCTTATTTGGAACTTGTGAAGTCCCTGTGT-3'
Protein context (NP_002992.1, residues 77-97): ALSAGVSLFG[Met87Ile]SALLLPGNFE

ClinVar aggregate classification (germline): Uncertain significance (1 of 4 stars; one submission).

Conditions:
Hereditary cancer-predisposing syndrome. Also called: Tumor predisposition; Hereditary Cancer Syndrome; Neoplastic Syndromes, Hereditary; Hereditary neoplastic syndrome. Identifiers: Orphanet 140162, MedGen C0027672, MeSH D009386, MONDO:0015356.

Submission:

Ambry Genetics
Classification: Uncertain significance for Hereditary cancer-predisposing syndrome. Last evaluated: 2022-08-29. Review status: criteria provided, single submitter. Criteria: Ambry Variant Classification Scheme 2023. Collection method: clinical testing. Allele origin: germline.
Comment: The p.M87I variant (also known as c.261G>A), located in coding exon 5 of the SDHC gene, results from a G to A substitution at nucleotide position 261. The methionine at codon 87 is replaced by isoleucine, an amino acid with highly similar properties. This amino acid position is conserved. In addition, the in silico prediction for this alteration is inconclusive. Since supporting evidence is limited at this time, the clinical significance of this alteration remains unclear.